The following is an entry in ClinVar:

NM_012418.4(FSCN2):c.146A>C (p.Glu49Ala)

Gene: FSCN2 (fascin actin-bundling protein 2, retinal; plus strand). Cytogenetic location: 17q25.3.
Variant type: single nucleotide variant.
Coding change: c.146A>C on transcript NM_012418.4 (MANE Select); coding-DNA position 146, A replaced by C.
Protein change: p.Glu49Ala; replaces glutamic acid 49 with alanine.
Molecular consequence: missense variant.
Genome position (GRCh38, 1-based): chr17:81,528,677, A>C. VCF-style: chr17-81528677-A-C. GRCh37 (hg19) VCF-style: chr17-79495703-A-C.
Other names: c.146A>C, p.Glu49Ala (NM_001077182.3); short protein forms E49A.
Identifiers: ClinVar variation 1903755 (VCV001903755.8), dbSNP rs200600577, ClinGen allele CA8836595.

ClinVar aggregate classification (germline): Conflicting classifications of pathogenicity. Review status: criteria provided, conflicting classifications (1 of 4 stars). 4 submissions from 4 submitters: Uncertain significance (3); Benign (1). Last evaluated 2023-10-01.

Conditions:
Retinal dystrophy. Also called: Inherited retinal dystrophy. Identifiers: Orphanet 71862, MedGen C0854723, MeSH D058499, MONDO:0019118, HP:0000556.
Retinitis pigmentosa 30 (RP30). Identifiers: Orphanet 791, MedGen C1842816, MONDO:0011935, OMIM 607921.

Allele frequency attached by ClinVar (database versions not stated): gnomAD exomes 0.00001; gnomAD 0.00003; TOPMed 0.00005; ExAC 0.00007; 1000 Genomes Project 30x 0.00031; 1000 Genomes Project 0.00040.
gnomAD v4.1: 27 of 1,601,528 alleles (0.0017%); highest among the groups gnomAD compares: East Asian, 0.052%; no homozygotes.

Submissions (4):

Dept Of Ophthalmology, Nagoya University
Classification: Benign for Retinal dystrophy. Last evaluated: 2023-10-01. Review status: criteria provided, single submitter. Criteria: Submitter's publication. Collection method: research. Allele origin: germline. Affected: yes.

Labcorp Genetics (formerly Invitae), Labcorp
Classification: Uncertain significance. Last evaluated: 2023-01-17. Review status: criteria provided, single submitter. Criteria: Invitae Variant Classification Sherloc (09022015). Collection method: clinical testing. Allele origin: germline.
Comment: In summary, the available evidence is currently insufficient to determine the role of this variant in disease. Therefore, it has been classified as a Variant of Uncertain Significance. Algorithms developed to predict the effect of missense changes on protein structure and function are either unavailable or do not agree on the potential impact of this missense change (SIFT: "Deleterious"; PolyPhen-2: "Probably Damaging"; Align-GVGD: "Class C0"). This variant has not been reported in the literature in individuals affected with FSCN2-related conditions. This variant is present in population databases (rs200600577, gnomAD 0.06%), and has an allele count higher than expected for a pathogenic variant. This sequence change replaces glutamic acid, which is acidic and polar, with alanine, which is neutral and non-polar, at codon 49 of the FSCN2 protein (p.Glu49Ala).

Department of Pathology and Laboratory Medicine, Sinai Health System
Classification: Uncertain significance for Retinitis pigmentosa 30. Last evaluated: 2021-08-10. Review status: criteria provided, single submitter. Criteria: ACMG Guidelines, 2015. Collection method: research. Allele origin: germline.

Ambry Genetics
Classification: Uncertain significance. Last evaluated: 2021-07-15. Review status: criteria provided, single submitter. Criteria: Ambry Variant Classification Scheme 2023. Collection method: clinical testing. Allele origin: germline.